The following is an entry in ClinVar:

NM_001130987.2(DYSF):c.1985-195C>T

Gene: DYSF (dysferlin; plus strand). Cytogenetic location: 2p13.2.
Variant type: single nucleotide variant.
Coding change: c.1985-195C>T on transcript NM_001130987.2 (MANE Select); 195 bases into the intron before coding-DNA position 1985, C replaced by T.
Molecular consequence: intron variant.
Genome position (GRCh38, 1-based): chr2:71,553,612, C>T. VCF-style: chr2-71553612-C-T. GRCh37 (hg19) VCF-style: chr2-71780742-C-T.
Other names: c.2024-195C>T (NM_001130979.2); c.1982-195C>T (NM_001130981.2, NM_001130980.2); c.1931-195C>T (NM_001130978.2, NM_003494.4); c.1889-195C>T (NM_001130977.2, NM_001130976.2); c.2027-195C>T (NM_001130982.2); c.1985-195C>T (NM_001130985.2); c.1934-195C>T (NM_001130983.2, NM_001130455.2); c.1892-195C>T (NM_001130984.2, NM_001130986.2).
Identifiers: ClinVar variation 679888 (VCV000679888.1), dbSNP rs138910206, ClinGen allele CA11228414.

ClinVar aggregate classification (germline): Likely benign (1 of 4 stars; one submission).

Allele frequency attached by ClinVar (database versions not stated): 1000 Genomes Project 0.00699; gnomAD 0.00813 and 0.00879; 1000 Genomes Project 30x 0.00859; TOPMed 0.00929.
gnomAD v4.1: 1,231 of 152,282 alleles (0.81%); highest among the groups gnomAD compares: African/African-American, 2.8%; 17 homozygotes.

Submission:

GeneDx
Classification: Likely benign. Last evaluated: 2018-06-16. Review status: criteria provided, single submitter. Criteria: GeneDx Variant Classification (06012015). Collection method: clinical testing. Allele origin: germline. Affected: yes.
Comment: This variant is considered likely benign or benign based on one or more of the following criteria: it is a conservative change, it occurs at a poorly conserved position in the protein, it is predicted to be benign by multiple in silico algorithms, and/or has population frequency not consistent with disease.